The following is an entry in ClinVar:

NM_000260.4(MYO7A):c.4153-10C>G

Gene: MYO7A (myosin VIIA; plus strand). Cytogenetic location: 11q13.5.
Variant type: single nucleotide variant.
Coding change: c.4153-10C>G on transcript NM_000260.4 (MANE Select); 10 bases into the intron before coding-DNA position 4153, C replaced by G.
Molecular consequence: intron variant.
Genome position (GRCh38, 1-based): chr11:77,194,344, C>G. VCF-style: chr11-77194344-C-G. GRCh37 (hg19) VCF-style: chr11-76905389-C-G.
Other names: c.4120-10C>G (NM_001369365.1); c.4153-10C>G (NM_001127180.2).
Identifiers: ClinVar variation 43234 (VCV000043234.14), dbSNP rs397516306, ClinGen allele CA132317.

ClinVar aggregate classification (germline): Likely benign. Review status: criteria provided, multiple submitters, no conflicts (2 of 4 stars). 3 submissions from 3 submitters: Likely benign (2). 1 of the submissions does not count toward it. Last evaluated 2024-10-04.

Conditions:
Usher syndrome type 1 (USH1). Also called: RETINITIS PIGMENTOSA AND CONGENITAL DEAFNESS. Identifiers: Orphanet 231169, Orphanet 886, MedGen C1568247, MONDO:0010168, OMIM 276900.
Autosomal recessive nonsyndromic hearing loss 2. Also called: DEAFNESS, AUTOSOMAL RECESSIVE 2; NEUROSENSORY NONSYNDROMIC RECESSIVE DEAFNESS 2. Identifiers: Orphanet 90636, MedGen C1838701, MONDO:0010807, OMIM 600060.

Allele frequency attached by ClinVar (database versions not stated): gnomAD exomes below 0.00001; gnomAD 0.00001; TOPMed 0.00001.
gnomAD v4.1: 2 of 1,609,242 alleles (0.00012%); highest among the groups gnomAD compares: African/African-American, 0.0013%; no homozygotes.

Submissions (3):

Labcorp Genetics (formerly Invitae), Labcorp
Classification: Likely benign. Last evaluated: 2024-10-04. Review status: criteria provided, single submitter. Criteria: Invitae Variant Classification Sherloc (09022015). Collection method: clinical testing. Allele origin: germline.

Laboratory for Molecular Medicine, Mass General Brigham Personalized Medicine
Classification: Likely benign. Last evaluated: 2010-08-13. Review status: criteria provided, single submitter. Criteria: LMM Criteria. Collection method: clinical testing. Allele origin: germline. Observed: 1 variant allele.

Counsyl
Classification: Uncertain significance for Usher syndrome type 1; Autosomal recessive nonsyndromic hearing loss 2. Last evaluated: 2017-05-23. Review status: no assertion criteria provided. Collection method: clinical testing. Allele origin: unknown. Not counted in ClinVar's aggregate classification.